The following is an entry in ClinVar:

ClinVar aggregate classification (germline): Uncertain significance. Review status: criteria provided, multiple submitters, no conflicts (2 of 4 stars). 3 submissions from 3 submitters: Uncertain significance (3). Last evaluated 2024-09-19.

Conditions:
Hereditary cancer-predisposing syndrome. Also called: Hereditary neoplastic syndrome; Neoplastic Syndromes, Hereditary; Tumor predisposition; Hereditary Cancer Syndrome. Identifiers: Orphanet 140162, MedGen C0027672, MeSH D009386, MONDO:0015356.
Global developmental delay - lung cysts - overgrowth - Wilms tumor syndrome. Also called: GLOBAL DEVELOPMENTAL DELAY, LUNG CYSTS, OVERGROWTH, AND WILMS TUMOR; GLOW Syndrome. Identifiers: Orphanet 404476, MedGen C4748924, MONDO:0018445, OMIM 618272.
DICER1-related tumor predisposition. Also called: DICER1 syndrome; DICER1-related pleuropulmonary blastoma cancer predisposition syndrome. Identifiers: Orphanet 284343, MedGen C3839822, MONDO:0100216.

gnomAD v4.1: 3 of 1,614,212 alleles (0.00019%); highest among the groups gnomAD compares: African/African-American, 0.0013%; no homozygotes.

Submissions (3):

Labcorp Genetics (formerly Invitae), Labcorp
Classification: Uncertain significance for DICER1-related tumor predisposition. Last evaluated: 2024-09-19. Review status: criteria provided, single submitter. Criteria: Invitae Variant Classification Sherloc (09022015). Collection method: clinical testing. Allele origin: germline.
Comment: This sequence change replaces asparagine, which is neutral and polar, with serine, which is neutral and polar, at codon 1227 of the DICER1 protein (p.Asn1227Ser). This variant is not present in population databases (gnomAD no frequency). This variant has not been reported in the literature in individuals affected with DICER1-related conditions. ClinVar contains an entry for this variant (Variation ID: 1043277). Invitae Evidence Modeling of protein sequence and biophysical properties (such as structural, functional, and spatial information, amino acid conservation, physicochemical variation, residue mobility, and thermodynamic stability) indicates that this missense variant is not expected to disrupt DICER1 protein function with a negative predictive value of 80%. In summary, the available evidence is currently insufficient to determine the role of this variant in disease. Therefore, it has been classified as a Variant of Uncertain Significance.

Baylor Genetics
Classification: Uncertain significance for Global developmental delay - lung cysts - overgrowth - Wilms tumor syndrome. Last evaluated: 2024-02-21. Review status: criteria provided, single submitter. Criteria: ACMG Guidelines, 2015. Collection method: clinical testing. Allele origin: unknown.

Ambry Genetics
Classification: Uncertain significance for Hereditary cancer-predisposing syndrome. Last evaluated: 2023-02-23. Review status: criteria provided, single submitter. Criteria: Ambry Variant Classification Scheme 2023. Collection method: clinical testing. Allele origin: germline.
Comment: The p.N1227S variant (also known as c.3680A>G), located in coding exon 20 of the DICER1 gene, results from an A to G substitution at nucleotide position 3680. The asparagine at codon 1227 is replaced by serine, an amino acid with highly similar properties. This amino acid position is highly conserved in available vertebrate species. In addition, this alteration is predicted to be tolerated by in silico analysis. Since supporting evidence is limited at this time, the clinical significance of this alteration remains unclear.

NM_177438.3(DICER1):c.3680A>G (p.Asn1227Ser)

Gene: DICER1 (dicer 1, ribonuclease III; minus strand). Cytogenetic location: 14q32.13.
Variant type: single nucleotide variant.
Coding change: c.3680A>G on transcript NM_177438.3 (MANE Select); coding-DNA position 3680, A replaced by G.
Protein change: p.Asn1227Ser; replaces asparagine 1227 with serine.
Molecular consequence: missense variant.
Genome position (GRCh38, 1-based): chr14:95,103,716, T>C on the plus strand (A>G on the coding strand, the complement: DICER1 is on the minus strand). VCF-style: chr14-95103716-T-C. GRCh37 (hg19) VCF-style: chr14-95570053-T-C.
Other names: c.3680A>G, p.Asn1227Ser (NM_001195573.1, NM_001271282.3, NM_001291628.2 and 1 more transcripts); c.3680A>G (NM_177438.2); short protein forms N1227S.
Identifiers: ClinVar variation 1043277 (VCV001043277.12), dbSNP rs1891121442, ClinGen allele CA390874383.